The following is an entry in ClinVar:

ClinVar aggregate classification (germline): Uncertain significance (1 of 4 stars; one submission).

Conditions:
Leigh syndrome (NULS). Also called: Leigh's necrotizing encephalopathy; Leigh's disease; Leigh's syndrome; LEIGH SYNDROME, NUCLEAR; Leigh Syndrome (mtDNA deletion); Leigh Disease. Identifiers: Orphanet 506, MedGen C2931891, MONDO:0009723, OMIM 256000.

Submission:

Wong Mito Lab, Molecular and Human Genetics, Baylor College of Medicine
Classification: Uncertain significance for Leigh syndrome. Last evaluated: 2019-10-17. Review status: criteria provided, single submitter. Criteria: Modified ACMG Guidelines (Unpublished). Collection method: clinical testing. Allele origin: germline.
Comment: The NC_012920.1:m.15534A>G (YP_003024038.1:p.Asn263Ser) variant in MTCYB gene is interpretated to be a Uncertain Significance variant based on the modified ACMG guidelines (unpublished). This variant meets the following evidence codes: PP4, BP4

NC_012920.1(MT-CYB):m.15534A>G

Gene: MT-CYB (mitochondrially encoded cytochrome b; plus strand).
Variant type: single nucleotide variant.
Genome position: chrM-15534-A-G.
Identifiers: ClinVar variation 693904 (VCV000693904.1), dbSNP rs1603225337, ClinGen allele CA913174135.